The following is an entry in ClinVar:

ClinVar aggregate classification (germline): Uncertain significance (1 of 4 stars; one submission).

Allele frequency attached by ClinVar (database versions not stated): gnomAD exomes 0.00001; gnomAD 0.00002; ExAC 0.00004.

Submission:

Labcorp Genetics (formerly Invitae), Labcorp
Classification: Uncertain significance. Last evaluated: 2022-04-29. Review status: criteria provided, single submitter. Criteria: Invitae Variant Classification Sherloc (09022015). Collection method: clinical testing. Allele origin: germline.
Comment: This sequence change replaces glutamic acid, which is acidic and polar, with lysine, which is basic and polar, at codon 244 of the TRAF3IP1 protein (p.Glu244Lys). This variant is present in population databases (rs777408567, gnomAD 0.004%). This variant has not been reported in the literature in individuals affected with TRAF3IP1-related conditions. Algorithms developed to predict the effect of missense changes on protein structure and function are either unavailable or do not agree on the potential impact of this missense change (SIFT: "Tolerated"; PolyPhen-2: "Possibly Damaging"; Align-GVGD: "Class C0"). In summary, the available evidence is currently insufficient to determine the role of this variant in disease. Therefore, it has been classified as a Variant of Uncertain Significance.

NM_015650.4(TRAF3IP1):c.730G>A (p.Glu244Lys)

Gene: TRAF3IP1 (TRAF3 interacting protein 1; plus strand). Cytogenetic location: 2q37.3.
Variant type: single nucleotide variant.
Coding change: c.730G>A on transcript NM_015650.4 (MANE Select); coding-DNA position 730, G replaced by A.
Protein change: p.Glu244Lys; replaces glutamic acid 244 with lysine.
Molecular consequence: missense variant.
Genome position (GRCh38, 1-based): chr2:238,329,157, G>A. VCF-style: chr2-238329157-G-A. GRCh37 (hg19) VCF-style: chr2-239237798-G-A.
Other names: c.730G>A, p.Glu244Lys (NM_001139490.1); short protein forms E244K.
Identifiers: ClinVar variation 1896291 (VCV001896291.3), dbSNP rs777408567, ClinGen allele CA2198122.